The following is an entry in ClinVar:

NM_000038.6(APC):c.5864del (p.Ala1955fs)

Gene: APC (APC regulator of Wnt signaling pathway; plus strand). Cytogenetic location: 5q22.2.
Variant type: Deletion.
Coding change: c.5864del on transcript NM_000038.6 (MANE Select); coding-DNA position 5864, one base deleted (C; older notation c.5864delC).
Protein change: p.Ala1955fs; shifts the reading frame from alanine 1955.
Molecular consequence: frameshift variant.
Genome position (GRCh38, 1-based): chr5:112,841,458, C deleted. VCF-style (leftmost placement, unchanged base first): chr5-112841457-GC-G. GRCh37 (hg19) VCF-style: chr5-112177154-GC-G.
Other names: c.5864del, p.Ala1955fs (NM_001127510.3, NM_001354895.2); c.5810del, p.Ala1937fs (NM_001127511.3); c.5918del, p.Ala1973fs (NM_001354896.2); c.5894del, p.Ala1965fs (NM_001354897.2); c.5789del, p.Ala1930fs (NM_001354898.2); c.5780del, p.Ala1927fs (NM_001354899.2); c.5741del, p.Ala1914fs (NM_001354900.2); c.5687del, p.Ala1896fs (NM_001354901.2); and 16 more; short protein forms A1795fs, A1864fs, A1927fs, A1955fs, A1854fs, A1829fs, A1930fs, A1965fs.
Identifiers: ClinVar variation 1750160 (VCV001750160.6), dbSNP rs1290023611, ClinGen allele CA802023599.
Genomic context (GRCh38, chr5:112,841,457, plus strand): 5'-CAGTCATCCAAAGACATACCAGACAGAGGGGCAGCAACTGATGAAAAGTTACAGAATTTT[GC>G]TATTGAAAATACTCCGGTTTGCTTTTCTCATAATTCCTCTCTGAGTTCTCTCAGTGACAT-3'

ClinVar aggregate classification (germline): Pathogenic. Review status: criteria provided, multiple submitters, no conflicts (2 of 4 stars). 4 submissions from 4 submitters: Pathogenic (4). Last evaluated 2025-02-20.

Conditions:
Hereditary cancer-predisposing syndrome. Also called: Hereditary Cancer Syndrome; Hereditary neoplastic syndrome; Neoplastic Syndromes, Hereditary; Tumor predisposition. Identifiers: Orphanet 140162, MedGen C0027672, MeSH D009386, MONDO:0015356.
Classic or attenuated familial adenomatous polyposis. Identifiers: MedGen CN372698, MONDO:0021057.
Familial adenomatous polyposis 1 (FAP1). Also called: FAMILIAL ADENOMATOUS POLYPOSIS 1, ATTENUATED; POLYPOSIS, ADENOMATOUS INTESTINAL. Identifiers: MedGen C2713442, MONDO:0021056, OMIM 175100. Disease mechanism: loss of function.

Allele frequency attached by ClinVar (database versions not stated): TOPMed 0.00001.

Submissions (4):

Ambry Genetics
Classification: Pathogenic for Hereditary cancer-predisposing syndrome. Last evaluated: 2025-02-20. Review status: criteria provided, single submitter. Criteria: Ambry Variant Classification Scheme 2023. Collection method: clinical testing. Allele origin: germline.
Comment: The c.5864delC pathogenic mutation, located in coding exon 15 of the APC gene, results from a deletion of one nucleotide at nucleotide position 5864, causing a translational frameshift with a predicted alternate stop codon (p.A1955Vfs*15). This alteration occurs at the 3' terminus of theAPC gene, is not expected to trigger nonsense-mediated mRNA decay, and impacts the last 31% of the protein. However, premature stop codons are typically deleterious in nature and a significant portion of the protein is affected (Ambry internal data). This variant was reported in individual(s) with features consistent with familial adenomatous polyposis (Ambry internal data). This variant is considered to be rare based on population cohorts in the Genome Aggregation Database (gnomAD). Based on the supporting evidence, this variant is interpreted as a disease-causing mutation.

Color Diagnostics, LLC DBA Color Health
Classification: Pathogenic for Hereditary cancer-predisposing syndrome. Last evaluated: 2024-07-26. Review status: criteria provided, single submitter. Criteria: ACMG Guidelines, 2015. Collection method: clinical testing. Allele origin: germline.
Comment: This variant deletes 1 nucleotide in exon 16 of the APC gene, creating a frameshift and premature translation stop signal in the last coding exon. This variant is predicted to escape nonsense-mediated decay and be expressed as a truncated protein. Although functional studies have not been reported, this variant is expected to disrupt the beta-catenin binding region, the SAMP-repeats, the basic domain, and the EBL binding and HDLG binding domains (PMID: 11257105). To our knowledge, this variant has not been reported in individuals affected with APC-related disorders in the literature. This variant has not been identified in the general population by the Genome Aggregation Database (gnomAD). Loss of APC function is a known mechanism of disease. Based on the available evidence, this variant is classified as Pathogenic.

All of Us Research Program, National Institutes of Health
Classification: Pathogenic for Classic or attenuated familial adenomatous polyposis. Last evaluated: 2023-06-26. Review status: criteria provided, single submitter. Criteria: ACMG Guidelines, 2015. Collection method: clinical testing. Allele origin: germline. Inheritance: Autosomal dominant inheritance. Observed: 1 variant allele, 1 heterozygote.
Comment: This variant deletes 1 nucleotide in exon 16 of the APC gene, creating a frameshift and premature translation stop signal. This variant is expected to result in an absent or non-functional protein product. To our knowledge, this variant has not been reported in individuals affected with APC-related disorders in the literature. This variant has not been identified in the general population by the Genome Aggregation Database (gnomAD). Loss of APC function is a known mechanism of disease. Based on the available evidence, this variant is classified as Pathogenic.

This study involves interpretation of variants in research participants for the purpose of population health screening. Participant phenotype was not available at the time of variant classification. Additional details can be found in publication PMID: 35346344, PMCID: PMC8962531

Myriad Genetics, Inc.
Classification: Pathogenic for Familial adenomatous polyposis 1. Last evaluated: 2023-05-15. Review status: criteria provided, single submitter. Criteria: Myriad Autosomal Dominant, Autosomal Recessive and X-Linked Classification Criteria (2023). Collection method: clinical testing. Allele origin: unknown.
Comment: This variant is considered pathogenic. This variant creates a frameshift predicted to result in premature protein truncation.

Literature cited by the submitters: PubMed 11257105 (cited by Color Diagnostics, LLC DBA Color Health).